The following is an entry in ClinVar:

NM_198968.4(DZIP1):c.2138G>C (p.Gly713Ala)

Gene: DZIP1 (DAZ interacting zinc finger protein 1; minus strand). Cytogenetic location: 13q32.1.
Variant type: single nucleotide variant.
Coding change: c.2138G>C on transcript NM_198968.4 (MANE Select); coding-DNA position 2138, G replaced by C.
Protein change: p.Gly713Ala; replaces glycine 713 with alanine.
Molecular consequence: missense variant.
Genome position (GRCh38, 1-based): chr13:95,587,619, C>G on the plus strand (G>C on the coding strand, the complement: DZIP1 is on the minus strand). VCF-style: chr13-95587619-C-G. GRCh37 (hg19) VCF-style: chr13-96239873-C-G.
Other names: c.2081G>C, p.Gly694Ala (NM_014934.5); c.2138G>C (NM_198968.3); short protein forms G694A, G713A.
Identifiers: ClinVar variation 4534120 (VCV004534120.7).

ClinVar aggregate classification (germline): Uncertain significance. Review status: criteria provided, multiple submitters, no conflicts (2 of 4 stars). 2 submissions from 2 submitters: Uncertain significance (2). Last evaluated 2026-01-02.

Conditions:
DZIP1-related disorder. Also called: DZIP1-related condition.

gnomAD v4.1: 165 of 1,614,092 alleles (0.01%); highest among the groups gnomAD compares: East Asian, 0.34%; 1 homozygote.

Submissions (2):

PreventionGenetics, part of Exact Sciences
Classification: Uncertain significance for DZIP1-related condition. Last evaluated: 2026-01-02. Review status: criteria provided, single submitter. Criteria: ACMG Guidelines, 2015. Collection method: clinical testing. Allele origin: germline.
Comment: The DZIP1 c.2138G>C variant is predicted to result in the amino acid substitution p.Gly713Ala. This variant has been reported in three individuals (two siblings and one unrelated individual) with early-onset high myopia (Lee et al. 2017. PubMed ID: 28085539). This variant is present in 0.42% of alleles in individuals of East Asian descent in gnomAD, including one homozygote, indicating this variant is relatively common. At this time, the clinical significance of this variant is uncertain due to the absence of conclusive functional and genetic evidence.

CeGaT Center for Human Genetics Tuebingen
Classification: Uncertain significance. Last evaluated: 2025-10-01. Review status: criteria provided, single submitter. Criteria: CeGaT Center For Human Genetics Tuebingen Variant Classification Criteria Version 2. Collection method: clinical testing. Allele origin: germline. Affected: yes. Observed: 1 variant allele.
Comment: DZIP1: PM2, BP4